The following is an entry in ClinVar:

NM_001113407.3(LDB1):c.997C>T (p.Gln333Ter)

Gene: LDB1 (LIM domain binding 1; minus strand). Cytogenetic location: 10q24.32.
Variant type: single nucleotide variant.
Coding change: c.997C>T on transcript NM_001113407.3 (MANE Select); coding-DNA position 997, C replaced by T.
Protein change: p.Gln333Ter; replaces glutamine 333 with a stop codon.
Molecular consequence: nonsense.
Genome position (GRCh38, 1-based): chr10:102,109,037, G>A on the plus strand (C>T on the coding strand, the complement: LDB1 is on the minus strand). VCF-style: chr10-102109037-G-A. GRCh37 (hg19) VCF-style: chr10-103868794-G-A.
Other names: c.997C>T, p.Gln333Ter (NM_001321612.2); c.889C>T, p.Gln297Ter (NM_003893.5); short protein forms Q297*, Q333*.
Identifiers: ClinVar variation 4818729 (VCV004818729.1).

ClinVar aggregate classification (germline): Pathogenic (1 of 4 stars; one submission).

Conditions:
Autosomal dominant non-syndromic intellectual disability. Identifiers: Orphanet 178469, MedGen C5680502, MONDO:0015802.

Submission:

Department of Human Genetics, University Hospital Bern, Inselspital
Classification: Pathogenic for Autosomal dominant non-syndromic intellectual disability. Last evaluated: 2026-03-23. Review status: criteria provided, single submitter. Criteria: ACMG Guidelines, 2015. Collection method: clinical testing. Allele origin: de novo. Affected: yes.
Comment: The C-terminal truncating variant likely escapes nonsense mediated mRNA decay and affects a the important LIM interacting domain . Functional assays showed that it impairs interaction with LIM proteins in a dominant negative manner. In summary, criteria PVS1_Strong, PS3, PM2_Supporting were used.